The following is an entry in ClinVar:

NM_000257.4(MYH7):c.2923-6C>A

Gene: MYH7 (myosin heavy chain 7; minus strand). Cytogenetic location: 14q11.2.
Variant type: single nucleotide variant.
Coding change: c.2923-6C>A on transcript NM_000257.4 (MANE Select); 6 bases into the intron before coding-DNA position 2923, C replaced by A.
Molecular consequence: intron variant.
Genome position (GRCh38, 1-based): chr14:23,423,729, G>T on the plus strand (C>A on the coding strand, the complement: MYH7 is on the minus strand). VCF-style: chr14-23423729-G-T. GRCh37 (hg19) VCF-style: chr14-23892938-G-T.
Other names: c.2923-6C>A (LRG_384t1).
Identifiers: ClinVar variation 449071 (VCV000449071.21), dbSNP rs587781082, ClinGen allele CA613317714.

ClinVar aggregate classification (germline): Uncertain significance. Review status: criteria provided, multiple submitters, no conflicts (2 of 4 stars). 5 submissions from 5 submitters: Uncertain significance (5). Last evaluated 2025-02-04.

Conditions:
Congenital myopathy with fiber type disproportion. Also called: Congenital fiber-type disproportion myopathy; Congenital fiber-type disproportion. Identifiers: Orphanet 2020, MedGen C0546264, MONDO:0009711. Inheritance: all.
Dilated cardiomyopathy 1S (CMD1S). Identifiers: Orphanet 154, Orphanet 54260, MedGen C1834481, MONDO:0013262, OMIM 613426.
MYH7-related skeletal myopathy. Also called: Myopathy, distal, 1; Laing early-onset distal myopathy; MYOPATHY, DISTAL, EARLY-ONSET, AUTOSOMAL DOMINANT; MYOPATHY, LATE DISTAL HEREDITARY; Laing distal myopathy. Identifiers: Orphanet 59135, MedGen C4552004, MONDO:0008050, OMIM 160500.
Myopathy, myosin storage, autosomal recessive (CMYO7B). Also called: CONGENITAL MYOPATHY 7B, MYOSIN STORAGE, AUTOSOMAL RECESSIVE. Identifiers: Orphanet 636970, MedGen C1850709, MONDO:0009708, OMIM 255160.
Myosin storage myopathy (CMYO7A). Also called: MYOPATHY WITH LYSIS OF TYPE I MYOFIBRILS; MYOPATHY, HYALINE BODY, AUTOSOMAL DOMINANT; SCAPULOPERONEAL MUSCULAR DYSTROPHY; SCAPULOPERONEAL SYNDROME, MYOPATHIC TYPE; MYH7-related late-onset scapuloperoneal muscular dystrophy; Congenital myopathy 7A, myosin storage, autosomal dominant. Identifiers: Orphanet 437572, Orphanet 636965, MedGen C1842160, MONDO:0008409, OMIM 608358.
Hypertrophic cardiomyopathy 1 (CMH1). Also called: Familial hypertrophic cardiomyopathy 1; MYH7-Related Familial Hypertrophic Cardiomyopathy. Identifiers: MedGen C3495498, MONDO:0008647, OMIM 192600.
Cardiomyopathy (CMYO). Also called: Cardiomyopathies. Identifiers: Orphanet 167848, MedGen C0878544, MONDO:0004994, HP:0001638. Inheritance: Various modes of inheritance.
Hypertrophic cardiomyopathy. Also called: HYPERTROPHIC MYOCARDIOPATHY. Identifiers: Orphanet 217569, MedGen C0007194, MeSH D002312, MONDO:0005045, HP:0001639.

gnomAD v4.1: 3 of 1,613,966 alleles (0.00019%); highest among the groups gnomAD compares: Admixed American, 0.005%; no homozygotes.

Submissions (5):

Labcorp Genetics (formerly Invitae), Labcorp
Classification: Uncertain significance for Hypertrophic cardiomyopathy. Last evaluated: 2025-02-04. Review status: criteria provided, single submitter. Criteria: Invitae Variant Classification Sherloc (09022015). Collection method: clinical testing. Allele origin: germline.
Comment: This sequence change falls in intron 23 of the MYH7 gene. It does not directly change the encoded amino acid sequence of the MYH7 protein. This variant is present in population databases (no rsID available, gnomAD 0.009%). This variant has not been reported in the literature in individuals affected with MYH7-related conditions. ClinVar contains an entry for this variant (Variation ID: 449071). Algorithms developed to predict the effect of sequence changes on RNA splicing suggest that this variant may disrupt the consensus splice site. In summary, the available evidence is currently insufficient to determine the role of this variant in disease. Therefore, it has been classified as a Variant of Uncertain Significance.

All of Us Research Program, National Institutes of Health
Classification: Uncertain significance for Cardiomyopathy. Last evaluated: 2024-09-23. Review status: criteria provided, single submitter. Criteria: ACMG Guidelines, 2015. Collection method: clinical testing. Allele origin: germline. Inheritance: Autosomal dominant inheritance. Observed: 6 variant alleles, 6 heterozygotes.
Comment: This variant causes a C to A nucleotide substitution at the -6 position of intron 23 of the MYH7 gene. Splice site prediction tools predict that this variant may have a significant impact on RNA splicing. To our knowledge, RNA studies have not been reported for this variant. This variant has not been reported in individuals affected with MYH7-related disorders in the literature. This variant has been identified in 3/251486 chromosomes in the general population by the Genome Aggregation Database (gnomAD). The available evidence is insufficient to determine the role of this variant in disease conclusively. Therefore, this variant is classified as a Variant of Uncertain Significance.

This study involves interpretation of variants in research participants for the purpose of population health screening. Participant phenotype was not available at the time of variant classification. Additional details can be found in publication PMID: 35346344, PMCID: PMC8962531

Color Diagnostics, LLC DBA Color Health
Classification: Uncertain significance for Cardiomyopathy. Last evaluated: 2024-02-22. Review status: criteria provided, single submitter. Criteria: ACMG Guidelines, 2015. Collection method: clinical testing. Allele origin: germline.
Comment: This variant causes a C to A nucleotide substitution at the -6 position of intron 23 of the MYH7 gene. Splice site prediction tools predict that this variant may have a significant impact on RNA splicing. To our knowledge, RNA studies have not been reported for this variant. This variant has not been reported in individuals affected with MYH7-related disorders in the literature. This variant has been identified in 3/251486 chromosomes in the general population by the Genome Aggregation Database (gnomAD). The available evidence is insufficient to determine the role of this variant in disease conclusively. Therefore, this variant is classified as a Variant of Uncertain Significance.

GeneDx
Classification: Uncertain significance. Last evaluated: 2022-05-03. Review status: criteria provided, single submitter. Criteria: GeneDx Variant Classification Process June 2021. Collection method: clinical testing. Allele origin: germline. Affected: yes.
Comment: Has not been previously published as pathogenic or benign to our knowledge; Although other splice site variants in the MYH7 gene have been reported in HGMD in association with cardiomyopathy, the vast majority of pathogenic variants in MYH7 are missense changes (HGMD); Not observed at significant frequency in large population cohorts (gnomAD); In silico analysis supports a deleterious effect on splicing

Fulgent Genetics
Classification: Uncertain significance for MYH7-related skeletal myopathy; Myosin storage myopathy; Hypertrophic cardiomyopathy 1; Myopathy, myosin storage, autosomal recessive; Congenital myopathy 4A, autosomal dominant; Dilated cardiomyopathy 1S. Last evaluated: 2021-09-01. Review status: criteria provided, single submitter. Criteria: ACMG Guidelines, 2015. Collection method: clinical testing. Allele origin: unknown.